The following is an entry in ClinVar:

ClinVar aggregate classification (germline): Likely pathogenic (0 of 4 stars; one submission).

Conditions:
SETX-related disorder. Also called: SETX-related condition; SETX-related disorders. Identifiers: MedGen CN239403.

Submission:

PreventionGenetics, part of Exact Sciences
Classification: Likely pathogenic for SETX-related condition. Last evaluated: 2024-07-03. Review status: no assertion criteria provided. Collection method: clinical testing. Allele origin: germline.
Comment: The SETX c.5300_5301dupCA variant is predicted to result in a frameshift and premature protein termination (p.Asn1768Glnfs*19). To our knowledge, this variant has not been reported in the literature or in a large population database, indicating this variant is rare. Frameshift variants in SETX are expected to be pathogenic. This variant is interpreted as likely pathogenic.

NM_015046.7(SETX):c.5300_5301dup (p.Asn1768fs)

Gene: SETX (senataxin; minus strand). Cytogenetic location: 9q34.13.
Variant type: Duplication.
Coding change: c.5300_5301dup on transcript NM_015046.7 (MANE Select); coding-DNA positions 5300 to 5301, 2 bases duplicated (CA; older notation c.5300_5301dupCA).
Protein change: p.Asn1768fs; shifts the reading frame from asparagine 1768.
Molecular consequence: frameshift variant.
Genome position (GRCh38, 1-based): chr9:132,311,830-132,311,831, TG duplicated on the plus strand (CA on the coding strand, the reverse complement: SETX is on the minus strand). VCF-style (leftmost placement, unchanged base first): chr9-132311829-T-TTG. GRCh37 (hg19) VCF-style: chr9-135187216-T-TTG.
Other names: c.5300_5301dup, p.Asn1768fs (NM_001351527.2, NM_001351528.2); c.5300_5301dupCA (NM_015046.5); short protein forms N1768fs.
Identifiers: ClinVar variation 3344639 (VCV003344639.1).
Genomic context (GRCh38, chr9:132,311,829, plus strand): 5'-AGTATTTTATATAATCGGCAGGAAATTTTCGTACTTGCAACTGATAGAAATTCTCTCTAT[T>TTG]TGGAGAGTTGAGCCATTCTTGTGCCACCTATACAAAGCACAAAAGCAAATTAAGAAAGCA-3'